The following is an entry in ClinVar:

ClinVar aggregate classification (germline): conflicting data from submitters (0 of 4 stars; one submission).

Submission:

ISCA site 1
Classification: conflicting data from submitters. Last evaluated: 2014-03-24. Review status: no assertion criteria provided. Collection method: clinical testing. Allele origin: unknown. Affected: yes. Observed: 2 variant alleles.
Comment: Pathogenic(1), Uncertain significance(1)

Copy number variation identified through the course of routine clinical cytogenomic testing in postnatal populations, with clinical assertions as classified by the original submitter. For data from the original published study, Kaminsky, et al. 2011 (PubMed 21844811), please see nstd101.

GRCh38/hg38 15q13.2-13.3(chr15:30781466-32154629)x3

Genes: CHRNA7 (cholinergic receptor nicotinic alpha 7 subunit), FAN1 (FANCD2 and FANCI associated nuclease 1; plus strand), KLF13 (KLF transcription factor 13; plus strand), LINC02352 (long intergenic non-protein coding RNA 2352; plus strand), LINC03034 (long intergenic non-protein coding RNA 3034; minus strand) and 20 more. Cytogenetic location: 15q13.2-13.3.
Variant type: copy number gain.
Change: copy number 3 (three copies instead of two) of chr15:30,781,466-32,154,629 (1.37 Mb, GRCh38 coordinates, 1-based), cytogenetic band 15q13.2-13.3.
Identifiers: ClinVar variation 155432 (VCV000155432.3).